The following is an entry in ClinVar:

ClinVar aggregate classification (germline): Uncertain significance (1 of 4 stars; one submission).

Submission:

GeneDx
Classification: Uncertain significance. Last evaluated: 2019-08-16. Review status: criteria provided, single submitter. Criteria: GeneDx Variant Classification Process June 2021. Collection method: clinical testing. Allele origin: germline. Affected: yes.
Comment: Not observed in large population cohorts (Lek et al., 2016); The majority of missense variants in this gene are considered pathogenic (Stenson et al., 2014); In silico analysis, which includes protein predictors and evolutionary conservation, supports that this variant does not alter protein structure/function; Has not been previously published as pathogenic or benign to our knowledge

NM_001003800.2(BICD2):c.1405G>C (p.Glu469Gln)

Gene: BICD2 (BICD cargo adaptor 2; minus strand). Cytogenetic location: 9q22.31.
Variant type: single nucleotide variant.
Coding change: c.1405G>C on transcript NM_001003800.2 (MANE Select); coding-DNA position 1405, G replaced by C.
Protein change: p.Glu469Gln; replaces glutamic acid 469 with glutamine.
Molecular consequence: missense variant.
Genome position (GRCh38, 1-based): chr9:92,719,240, C>G on the plus strand (G>C on the coding strand, the complement: BICD2 is on the minus strand). VCF-style: chr9-92719240-C-G. GRCh37 (hg19) VCF-style: chr9-95481522-C-G.
Other names: c.1405G>C, p.Glu469Gln (NM_015250.4); short protein forms E469Q.
Identifiers: ClinVar variation 1308028 (VCV001308028.2), dbSNP rs756111549, ClinGen allele CA374038341.